The following is an entry in ClinVar:

NM_000062.3(SERPING1):c.1439T>A (p.Val480Glu)

Gene: SERPING1 (serpin family G member 1; plus strand). Cytogenetic location: 11q12.1.
Variant type: single nucleotide variant.
Coding change: c.1439T>A on transcript NM_000062.3 (MANE Select); coding-DNA position 1439, T replaced by A.
Protein change: p.Val480Glu; replaces valine 480 with glutamic acid.
Molecular consequence: missense variant.
Genome position (GRCh38, 1-based): chr11:57,614,517, T>A. VCF-style: chr11-57614517-T-A. GRCh37 (hg19) VCF-style: chr11-57381990-T-A.
Other names: c.1439T>A, p.Val480Glu (NM_001032295.2); short protein forms V480E.
Identifiers: ClinVar variation 3256140 (VCV003256140.2).

ClinVar aggregate classification (germline): Likely pathogenic (1 of 4 stars; one submission).

Conditions:
Hereditary angioedema type 1 (HAE1). Identifiers: Orphanet 100050, Orphanet 100051, Orphanet 91378, MedGen C2717906, MONDO:0015053, OMIM 106100.

Submission:

DNA-diagnostics Laboratory, Research Centre For Medical Genetics
Classification: Likely pathogenic for Hereditary angioedema type 1. Last evaluated: 2024-07-28. Review status: criteria provided, single submitter. Criteria: ACMG Guidelines, 2015. Collection method: research. Allele origin: germline. Affected: yes. Observed: 3 variant alleles, 3 heterozygotes. Clinical features observed: Angioedema (HP:0100665), C1 esterase inhibitor deficiency.
Comment: According to our observation, the c.1439T>A variant in SERPING1 meets ACMG/ClinGen SVI guidance criteria to be classified as likely pathogenic: PP4_Str, PM2_Sup, PP1, PP2